The following is an entry in ClinVar:

NM_007348.4(ATF6):c.237A>G (p.Gln79=)

Gene: ATF6 (activating transcription factor 6; plus strand). Cytogenetic location: 1q23.3.
Variant type: single nucleotide variant.
Coding change: c.237A>G on transcript NM_007348.4 (MANE Select); coding-DNA position 237, A replaced by G.
Protein change: p.Gln79=; no amino-acid change (glutamine 79 retained).
Molecular consequence: synonymous variant.
Genome position (GRCh38, 1-based): chr1:161,781,989, A>G. VCF-style: chr1-161781989-A-G. GRCh37 (hg19) VCF-style: chr1-161751779-A-G.
Identifiers: ClinVar variation 863445 (VCV000863445.8), dbSNP rs749575306, ClinGen allele CA1214126.

ClinVar aggregate classification (germline): Likely benign. Review status: criteria provided, multiple submitters, no conflicts (2 of 4 stars). 3 submissions from 3 submitters: Likely benign (3). Last evaluated 2025-08-13.

Conditions:
ATF6-related disorder. Also called: ATF6-related condition.

Allele frequency attached by ClinVar (database versions not stated): ExAC 0.00003; gnomAD 0.00004; gnomAD exomes 0.00004 and 0.00005; TOPMed 0.00004.
gnomAD v4.1: 75 of 1,602,008 alleles (0.0047%); highest among the groups gnomAD compares: Non-Finnish European, 0.0061%; no homozygotes.

Submissions (3):

PreventionGenetics, part of Exact Sciences
Classification: Likely benign for ATF6-related condition. Last evaluated: 2025-08-13. Review status: criteria provided, single submitter. Criteria: ACMG Guidelines, 2015. Collection method: clinical testing. Allele origin: germline.
Comment: This variant is classified as likely benign based on ACMG/AMP sequence variant interpretation guidelines (Richards et al. 2015 PMID: 25741868, with internal and published modifications).

Labcorp Genetics (formerly Invitae), Labcorp
Classification: Likely benign. Last evaluated: 2024-09-29. Review status: criteria provided, single submitter. Criteria: Invitae Variant Classification Sherloc (09022015). Collection method: clinical testing. Allele origin: germline.

Blueprint Genetics
Classification: Likely benign. Last evaluated: 2019-10-25. Review status: criteria provided, single submitter. Criteria: ACMG Guidelines, 2015. Collection method: clinical testing. Allele origin: germline.